The following is an entry in ClinVar:

NM_001163435.3(TBCK):c.1221C>T (p.Asp407=)

Gene: TBCK (TBC1 domain containing kinase; minus strand). Cytogenetic location: 4q24.
Variant type: single nucleotide variant.
Coding change: c.1221C>T on transcript NM_001163435.3 (MANE Select); coding-DNA position 1221, C replaced by T.
Protein change: p.Asp407=; no amino-acid change (aspartic acid 407 retained).
Molecular consequence: synonymous variant.
Genome position (GRCh38, 1-based): chr4:106,236,519, G>A on the plus strand (C>T on the coding strand, the complement: TBCK is on the minus strand). VCF-style: chr4-106236519-G-A. GRCh37 (hg19) VCF-style: chr4-107157676-G-A.
Other names: c.1221C>T, p.Asp407= (NM_001163436.4); c.1104C>T, p.Asp368= (NM_001163437.3); c.705C>T, p.Asp235= (NM_001290768.2); c.1032C>T, p.Asp344= (NM_033115.5).
Identifiers: ClinVar variation 3895941 (VCV003895941.1).

ClinVar aggregate classification (germline): Uncertain significance (1 of 4 stars; one submission).

gnomAD v4.1: 3 of 1,498,116 alleles (0.0002%); highest among the groups gnomAD compares: Non-Finnish European, 0.00027%; no homozygotes.

Submission:

Women's Health and Genetics/Laboratory Corporation of America, LabCorp
Classification: Uncertain significance. Last evaluated: 2025-03-25. Review status: criteria provided, single submitter. Criteria: LabCorp Variant Classification Summary - May 2015. Collection method: clinical testing. Allele origin: germline.
Comment: Variant summary: TBCK c.1221C>T (p.Asp407Asp) alters a conserved nucleotide located close to a canonical splice site and therefore could affect mRNA splicing, leading to a significantly altered protein sequence. Consensus agreement among computation tools predict no significant impact on normal splicing. However, these predictions have yet to be confirmed by functional studies. The variant was absent in 183626 control chromosomes (gnomAD). The available data on variant occurrences in the general population are insufficient to allow any conclusion about variant significance. To our knowledge, no occurrence of c.1221C>T in individuals affected with Hypotonia, Infantile, With Psychomotor Retardation And Characteristic Facies 3 and no experimental evidence demonstrating its impact on protein function have been reported. No submitters have cited clinical-significance assessments for this variant to ClinVar. Based on the evidence outlined above, the variant was classified as uncertain significance.